The following is an entry in ClinVar:

ClinVar aggregate classification (germline): Uncertain significance (1 of 4 stars; one submission).

gnomAD v4.1: 53 of 1,614,176 alleles (0.0033%); highest among the groups gnomAD compares: East Asian, 0.0022%; no homozygotes.

Submission:

Labcorp Genetics (formerly Invitae), Labcorp
Classification: Uncertain significance. Last evaluated: 2025-05-18. Review status: criteria provided, single submitter. Criteria: Invitae Variant Classification Sherloc (09022015). Collection method: clinical testing. Allele origin: germline.
Comment: This sequence change replaces proline, which is neutral and non-polar, with leucine, which is neutral and non-polar, at codon 1175 of the DSCAML1 protein (p.Pro1175Leu). This variant is present in population databases (rs747777239, gnomAD 0.06%), and has an allele count higher than expected for a pathogenic variant. This variant has not been reported in the literature in individuals affected with DSCAML1-related conditions. An algorithm developed to predict the effect of missense changes on protein structure and function (PolyPhen-2) suggests that this variant is likely to be disruptive. In summary, the available evidence is currently insufficient to determine the role of this variant in disease. Therefore, it has been classified as a Variant of Uncertain Significance.

NM_020693.4(DSCAML1):c.3344C>T (p.Pro1115Leu)

Gene: DSCAML1 (DS cell adhesion molecule like 1; minus strand). Cytogenetic location: 11q23.3.
Variant type: single nucleotide variant.
Coding change: c.3344C>T on transcript NM_020693.4 (MANE Select); coding-DNA position 3344, C replaced by T.
Protein change: p.Pro1115Leu; replaces proline 1115 with leucine.
Molecular consequence: missense variant.
Genome position (GRCh38, 1-based): chr11:117,461,518, G>A on the plus strand (C>T on the coding strand, the complement: DSCAML1 is on the minus strand). VCF-style: chr11-117461518-G-A. GRCh37 (hg19) VCF-style: chr11-117332234-G-A.
Other names: short protein forms P1115L.
Identifiers: ClinVar variation 4701572 (VCV004701572.1).